The following is an entry in ClinVar:

ClinVar aggregate classification (germline): Uncertain significance (1 of 4 stars; one submission).

Conditions:
Inborn genetic diseases. Identifiers: MedGen C0950123, MeSH D030342.

Allele frequency attached by ClinVar (database versions not stated): gnomAD 0.00003; TOPMed 0.00005; ExAC 0.00006; ESP Exome Variant Server 0.00008.

Submission:

Ambry Genetics
Classification: Uncertain significance for Inborn genetic diseases. Last evaluated: 2020-11-13. Review status: criteria provided, single submitter. Criteria: Ambry Variant Classification Scheme 2023. Collection method: clinical testing. Allele origin: germline.
Comment: The c.3551C>T (p.S1184F) alteration is located in coding exon 1 of the WDR81 gene. This alteration results from a C to T substitution at nucleotide position 3551, causing the serine (S) at amino acid position 1184 to be replaced by a phenylalanine (F). Based on data from the Genome Aggregation Database (gnomAD) database, the WDR81 c.3551C>T alteration was observed in 0.004% (10/232998) of total alleles studied, with a frequency of 0.01% (10/102036) in the European (non-Finnish) subpopulation. This amino acid position is not well conserved in available vertebrate species. The p.S1184F alteration is predicted to be tolerated by in silico analysis. Based on insufficient or conflicting evidence, the clinical significance of this alteration remains unclear.

NM_001163809.2(WDR81):c.3551C>T (p.Ser1184Phe)

Gene: WDR81 (WD repeat domain 81; plus strand). Cytogenetic location: 17p13.3.
Variant type: single nucleotide variant.
Coding change: c.3551C>T on transcript NM_001163809.2 (MANE Select); coding-DNA position 3551, C replaced by T.
Protein change: p.Ser1184Phe; replaces serine 1184 with phenylalanine.
Molecular consequence: missense variant. On other transcripts: intron variant (2).
Genome position (GRCh38, 1-based): chr17:1,728,510, C>T. VCF-style: chr17-1728510-C-T. GRCh37 (hg19) VCF-style: chr17-1631804-C-T.
Other names: c.398C>T, p.Ser133Phe (NM_152348.4); c.59-1870C>T (NM_001163673.2); c.-14-1870C>T (NM_001163811.2); short protein forms S133F, S1184F.
Identifiers: ClinVar variation 2210572 (VCV002210572.2), dbSNP rs376067231, ClinGen allele CA8273277.